The following is an entry in ClinVar:

NM_018163.3(DNAJC17):c.898G>C (p.Glu300Gln)

Gene: DNAJC17 (DnaJ heat shock protein family (Hsp40) member C17; minus strand). Cytogenetic location: 15q15.1.
Variant type: single nucleotide variant.
Coding change: c.898G>C on transcript NM_018163.3 (MANE Select); coding-DNA position 898, G replaced by C.
Protein change: p.Glu300Gln; replaces glutamic acid 300 with glutamine.
Molecular consequence: missense variant.
Genome position (GRCh38, 1-based): chr15:40,767,957, C>G on the plus strand (G>C on the coding strand, the complement: DNAJC17 is on the minus strand). VCF-style: chr15-40767957-C-G. GRCh37 (hg19) VCF-style: chr15-41060155-C-G.
Other names: short protein forms E300Q.
Identifiers: ClinVar variation 3608049 (VCV003608049.2).
Genomic context (GRCh38, chr15:40,767,957, plus strand): 5'-ACGTTGAAGAAAAGGGCTGAGGGGTGGATGGCTGGAGCTGGGGCTACGTAGGCGGCCCCT[C>G]CTGGTCTTCCTGCTGCATCCGTGCGATCAGCTGTTGCCGCTCGGCCGCCTGGCGCATGCG-3'
Protein context (NP_060633.1, residues 290-304): LIARMQQEDQ[Glu300Gln]GPPT

ClinVar aggregate classification (germline): Uncertain significance (1 of 4 stars; one submission).

gnomAD v4.1: 13 of 1,613,008 alleles (0.00081%); highest among the groups gnomAD compares: East Asian, 0.016%; no homozygotes.

Submission:

Labcorp Genetics (formerly Invitae), Labcorp
Classification: Uncertain significance. Last evaluated: 2024-02-22. Review status: criteria provided, single submitter. Criteria: Invitae Variant Classification Sherloc (09022015). Collection method: clinical testing. Allele origin: germline.
Comment: This sequence change replaces glutamic acid, which is acidic and polar, with glutamine, which is neutral and polar, at codon 300 of the DNAJC17 protein (p.Glu300Gln). This variant is present in population databases (rs766705474, gnomAD 0.006%). This variant has not been reported in the literature in individuals affected with DNAJC17-related conditions. An algorithm developed to predict the effect of missense changes on protein structure and function (PolyPhen-2) suggests that this variant is likely to be tolerated. In summary, the available evidence is currently insufficient to determine the role of this variant in disease. Therefore, it has been classified as a Variant of Uncertain Significance.